The following is an entry in ClinVar:

ClinVar aggregate classification (germline): Conflicting classifications of pathogenicity. Review status: criteria provided, conflicting classifications (1 of 4 stars). 11 submissions from 11 submitters: Uncertain significance (1); Benign (1); Likely benign (6). 3 of the submissions do not count toward it. Last evaluated 2026-01-27.

Conditions:
NEXN-related disorder. Also called: NEXN-related condition; NEXN-related disorders.
Cardiovascular phenotype. Identifiers: MedGen CN230736.
Hypertrophic cardiomyopathy 20. Identifiers: MedGen C3151267, MONDO:0013477, OMIM 613876.
Dilated cardiomyopathy 1CC (CMD1CC). Identifiers: Orphanet 154, MedGen C2751084, MONDO:0013147, OMIM 613122.
Cardiomyopathy (CMYO). Also called: Cardiomyopathies. Identifiers: Orphanet 167848, MedGen C0878544, MONDO:0004994, HP:0001638. Inheritance: Various modes of inheritance.

Allele frequency attached by ClinVar (database versions not stated): gnomAD exomes 0.00012 and 0.00072; ESP Exome Variant Server 0.00017; gnomAD 0.00035 and 0.00040; TOPMed 0.00049; ExAC 0.00068; 1000 Genomes Project 0.00180; 1000 Genomes Project 30x 0.00187.
gnomAD v4.1: 261 of 1,603,368 alleles (0.016%); highest among the groups gnomAD compares: East Asian, 0.45%; no homozygotes.

Submissions (11):

Labcorp Genetics (formerly Invitae), Labcorp
Classification: Benign for Dilated cardiomyopathy 1CC; Hypertrophic cardiomyopathy 20. Last evaluated: 2026-01-27. Review status: criteria provided, single submitter. Criteria: Invitae Variant Classification Sherloc (09022015). Collection method: clinical testing. Allele origin: germline.

Women's Health and Genetics/Laboratory Corporation of America, LabCorp
Classification: Likely benign. Last evaluated: 2025-09-08. Review status: criteria provided, single submitter. Criteria: LabCorp Variant Classification Summary - May 2015. Collection method: clinical testing. Allele origin: germline.

PreventionGenetics, part of Exact Sciences
Classification: Likely benign for NEXN-related condition. Last evaluated: 2025-06-17. Review status: criteria provided, single submitter. Criteria: ACMG Guidelines, 2015. Collection method: clinical testing. Allele origin: germline.
Comment: This variant is classified as likely benign based on ACMG/AMP sequence variant interpretation guidelines (Richards et al. 2015 PMID: 25741868, with internal and published modifications).

Blueprint Genetics
Classification: Likely benign. Last evaluated: 2024-10-10. Review status: criteria provided, single submitter. Criteria: ACMG Guidelines, 2015. Collection method: clinical testing. Allele origin: germline.

GeneDx
Classification: Likely benign. Last evaluated: 2020-11-04. Review status: criteria provided, single submitter. Criteria: GeneDx Variant Classification Process June 2021. Collection method: clinical testing. Allele origin: germline. Affected: yes.

Ambry Genetics
Classification: Likely benign for Cardiovascular phenotype. Last evaluated: 2018-07-27. Review status: criteria provided, single submitter. Criteria: Ambry Variant Classification Scheme 2023. Collection method: clinical testing. Allele origin: germline.

CHEO Genetics Diagnostic Laboratory, Children's Hospital of Eastern Ontario
Classification: Uncertain significance for Cardiomyopathy. Last evaluated: 2016-11-21. Review status: criteria provided, single submitter. Criteria: ACMG Guidelines, 2015. Collection method: clinical testing. Allele origin: germline. Study: Canadian Open Genetics Repository.

Laboratory for Molecular Medicine, Mass General Brigham Personalized Medicine
Classification: Likely benign. Last evaluated: 2015-06-09. Review status: criteria provided, single submitter. Criteria: LMM Criteria. Collection method: clinical testing. Allele origin: germline. Observed: 1 variant allele.
Comment: p.Ile171Thr in exon 7 of NEXN: This variant is not expected to have clinical sig nificance because it has been identified in 0.9% (76/8584) of East Asian chromos omes by the Exome Aggregation Consortium (ExAC; dbSNP rs372065024).

Clinical Genetics DNA and cytogenetics Diagnostics Lab, Erasmus MC, Erasmus Medical Center
Classification: Likely benign. Review status: no assertion criteria provided. Collection method: clinical testing. Allele origin: germline. Affected: yes. Study: VKGL Data-share Consensus. Not counted in ClinVar's aggregate classification.

Clinical Genetics, Academic Medical Center
Classification: Benign. Review status: no assertion criteria provided. Collection method: clinical testing. Allele origin: germline. Affected: yes. Study: VKGL Data-share Consensus. Not counted in ClinVar's aggregate classification.

Genome Diagnostics Laboratory, University Medical Center Utrecht
Classification: Likely benign. Review status: no assertion criteria provided. Collection method: clinical testing. Allele origin: germline. Affected: yes. Study: VKGL Data-share Consensus. Not counted in ClinVar's aggregate classification.

NM_144573.4(NEXN):c.512T>C (p.Ile171Thr)

Gene: NEXN (nexilin F-actin binding protein; plus strand). Cytogenetic location: 1p31.1.
Variant type: single nucleotide variant.
Coding change: c.512T>C on transcript NM_144573.4 (MANE Select); coding-DNA position 512, T replaced by C.
Protein change: p.Ile171Thr; replaces isoleucine 171 with threonine.
Molecular consequence: missense variant.
Genome position (GRCh38, 1-based): chr1:77,926,436, T>C. VCF-style: chr1-77926436-T-C. GRCh37 (hg19) VCF-style: chr1-78392121-T-C.
Other names: p.I171T:ATA>ACA; c.320T>C, p.Ile107Thr (NM_001172309.2); short protein forms I171T, I107T.
Identifiers: ClinVar variation 201917 (VCV000201917.29), dbSNP rs372065024, ClinGen allele CA335391.
Genomic context (GRCh38, chr1:77,926,436, plus strand): 5'-TAAGAAGAAATAGGCTAATTATCTATTTTATAAAATAGGAAGGAGATGATTCACTACTTA[T>C]AACTGTGGTACCTGTCAAATCATATAAAACATCTGGAAAAATGAAAAAGAATTTTGAGGA-3'
Protein context (NP_653174.3, residues 161-181): ASEEGDDSLL[Ile171Thr]TVVPVKSYKT